The following is an entry in ClinVar:

NM_005228.5(EGFR):c.3392C>T (p.Thr1131Ile)

Gene: EGFR (epidermal growth factor receptor; plus strand). Cytogenetic location: 7p11.2.
Variant type: single nucleotide variant.
Coding change: c.3392C>T on transcript NM_005228.5 (MANE Select); coding-DNA position 3392, C replaced by T.
Protein change: p.Thr1131Ile; replaces threonine 1131 with isoleucine.
Molecular consequence: missense variant.
Genome position (GRCh38, 1-based): chr7:55,205,376, C>T. VCF-style: chr7-55205376-C-T. GRCh37 (hg19) VCF-style: chr7-55273069-C-T.
Other names: c.3257C>T, p.Thr1086Ile (NM_001346899.2); c.3233C>T, p.Thr1078Ile (NM_001346900.2); c.2591C>T, p.Thr864Ile (NM_001346941.2); short protein forms T1086I, T1078I, T1131I, T864I.
Identifiers: ClinVar variation 1466971 (VCV001466971.6), dbSNP rs1788067890, ClinGen allele CA367584522.
Genomic context (GRCh38, chr7:55,205,376, plus strand): 5'-ACAATCAGCCTCTGAACCCCGCGCCCAGCAGAGACCCACACTACCAGGACCCCCACAGCA[C>T]TGCAGTGGGCAACCCCGAGTATCTCAACACTGTCCAGCCCACCTGTGTCAACAGCACATT-3'
Protein context (NP_005219.2, residues 1121-1141): RDPHYQDPHS[Thr1131Ile]AVGNPEYLNT

ClinVar aggregate classification (germline): Uncertain significance (1 of 4 stars; one submission).

Conditions:
EGFR-related lung cancer (EGFR). Identifiers: MedGen CN130014.

Submission:

Labcorp Genetics (formerly Invitae), Labcorp
Classification: Uncertain significance for EGFR-related lung cancer. Last evaluated: 2021-09-10. Review status: criteria provided, single submitter. Criteria: Invitae Variant Classification Sherloc (09022015). Collection method: clinical testing. Allele origin: germline.
Comment: This variant has not been reported in the literature in individuals affected with EGFR-related conditions. This sequence change replaces threonine with isoleucine at codon 1131 of the EGFR protein (p.Thr1131Ile). The threonine residue is weakly conserved and there is a moderate physicochemical difference between threonine and isoleucine. This variant is not present in population databases (ExAC no frequency). Algorithms developed to predict the effect of missense changes on protein structure and function (SIFT, PolyPhen-2, Align-GVGD) all suggest that this variant is likely to be tolerated. In summary, the available evidence is currently insufficient to determine the role of this variant in disease. Therefore, it has been classified as a Variant of Uncertain Significance.